The following is an entry in ClinVar:

ClinVar aggregate classification (germline): Uncertain significance (1 of 4 stars; one submission).

Allele frequency attached by ClinVar (database versions not stated): ExAC 0.00001.
gnomAD v4.1: 3 of 1,614,050 alleles (0.00019%); highest among the groups gnomAD compares: Non-Finnish European, 0.00025%; no homozygotes.

Submission:

Quest Diagnostics Nichols Institute San Juan Capistrano
Classification: Uncertain significance. Last evaluated: 2023-03-27. Review status: criteria provided, single submitter. Criteria: Quest Diagnostics criteria. Collection method: clinical testing. Allele origin: unknown.
Comment: This variant has not been reported in the published literature. The frequency of this variant in the general population, 0.000004 (1/250786 chromosomes), is uninformative in assessment of its pathogenicity. Based on the available information, we are unable to determine the clinical significance of this variant.

NM_000384.3(APOB):c.13530T>C (p.Tyr4510=)

Gene: APOB (apolipoprotein B; minus strand). Cytogenetic location: 2p24.1.
Variant type: single nucleotide variant.
Coding change: c.13530T>C on transcript NM_000384.3 (MANE Select); coding-DNA position 13530, T replaced by C.
Protein change: p.Tyr4510=; no amino-acid change (tyrosine 4510 retained).
Molecular consequence: synonymous variant.
Genome position (GRCh38, 1-based): chr2:21,001,892, A>G on the plus strand (T>C on the coding strand, the complement: APOB is on the minus strand). VCF-style: chr2-21001892-A-G. GRCh37 (hg19) VCF-style: chr2-21224764-A-G.
Identifiers: ClinVar variation 2681871 (VCV002681871.1), dbSNP rs753852142, ClinGen allele CA053105.